The following is an entry in ClinVar:

NM_001844.5(COL2A1):c.618G>A (p.Met206Ile)

Gene: COL2A1 (collagen type II alpha 1 chain; minus strand). Cytogenetic location: 12q13.11.
Variant type: single nucleotide variant.
Coding change: c.618G>A on transcript NM_001844.5 (MANE Select); coding-DNA position 618, G replaced by A.
Protein change: p.Met206Ile; replaces methionine 206 with isoleucine.
Molecular consequence: missense variant.
Genome position (GRCh38, 1-based): chr12:47,995,911, C>T on the plus strand (G>A on the coding strand, the complement: COL2A1 is on the minus strand). VCF-style: chr12-47995911-C-T. GRCh37 (hg19) VCF-style: chr12-48389694-C-T.
Other names: c.411G>A, p.Met137Ile (NM_033150.3); short protein forms M137I, M206I.
Identifiers: ClinVar variation 1718472 (VCV001718472.5), dbSNP rs2540175448, ClinGen allele CA384523957.

ClinVar aggregate classification (germline): Uncertain significance (1 of 4 stars; one submission).

Submission:

Labcorp Genetics (formerly Invitae), Labcorp
Classification: Uncertain significance. Last evaluated: 2026-02-01. Review status: criteria provided, single submitter. Criteria: Invitae Variant Classification Sherloc (09022015). Collection method: clinical testing. Allele origin: germline.
Comment: This sequence change replaces methionine, which is neutral and non-polar, with isoleucine, which is neutral and non-polar, at codon 206 of the COL2A1 protein (p.Met206Ile). This variant is not present in population databases (gnomAD no frequency). This variant has not been reported in the literature in individuals affected with COL2A1-related conditions. ClinVar contains an entry for this variant (Variation ID: 1718472). Invitae Evidence Modeling of protein sequence and biophysical properties (such as structural, functional, and spatial information, amino acid conservation, physicochemical variation, residue mobility, and thermodynamic stability) indicates that this missense variant is not expected to disrupt COL2A1 protein function with a negative predictive value of 95%. In summary, the available evidence is currently insufficient to determine the role of this variant in disease. Therefore, it has been classified as a Variant of Uncertain Significance.